The following is an entry in ClinVar:

NM_198578.4(LRRK2):c.3812C>A (p.Thr1271Lys)

Gene: LRRK2 (leucine rich repeat kinase 2; plus strand). Cytogenetic location: 12q12.
Variant type: single nucleotide variant.
Coding change: c.3812C>A on transcript NM_198578.4 (MANE Select); coding-DNA position 3812, C replaced by A.
Protein change: p.Thr1271Lys; replaces threonine 1271 with lysine.
Molecular consequence: missense variant.
Genome position (GRCh38, 1-based): chr12:40,305,819, C>A. VCF-style: chr12-40305819-C-A. GRCh37 (hg19) VCF-style: chr12-40699621-C-A.
Other names: short protein forms T1271K.
Identifiers: ClinVar variation 1735167 (VCV001735167.2), dbSNP rs2136793898, ClinGen allele CA384417098.
Genomic context (GRCh38, chr12:40,305,819, plus strand): 5'-GTTTTGCCCTTTTTTTTCCCATTAAGATTCCTCCTGAGATTGGCTGTCTTGAAAATCTGA[C>A]ATCTCTGGATGTCAGTTACAACTTGGAACTAAGATCCTTTCCCAATGAAATGGGGAAATT-3'
Protein context (NP_940980.4, residues 1261-1281): PPEIGCLENL[Thr1271Lys]SLDVSYNLEL

ClinVar aggregate classification (germline): Uncertain significance (1 of 4 stars; one submission).

Conditions:
Inborn genetic diseases. Identifiers: MedGen C0950123, MeSH D030342.

gnomAD v4.1: 10 of 1,613,638 alleles (0.00062%); highest among the groups gnomAD compares: Non-Finnish European, 0.00085%; no homozygotes.

Submission:

Ambry Genetics
Classification: Uncertain significance for Inborn genetic diseases. Last evaluated: 2023-09-23. Review status: criteria provided, single submitter. Criteria: Ambry Variant Classification Scheme 2023. Collection method: clinical testing. Allele origin: germline.
Comment: The p.T1271K variant (also known as c.3812C>A), located in coding exon 28 of the LRRK2 gene, results from a C to A substitution at nucleotide position 3812. The threonine at codon 1271 is replaced by lysine, an amino acid with similar properties. This amino acid position is conserved. In addition, this alteration is predicted to be tolerated by in silico analysis. Since supporting evidence is limited at this time, the clinical significance of this alteration remains unclear.